The following continues an entry in ClinVar:

NM_007294.4(BRCA1):c.2071del (p.Arg691fs)

Gene: BRCA1. ClinVar aggregate classification (germline): Pathogenic. Pathogenic (1).

Submissions 9 to 21 of 31:

Ambry Genetics
Classification: Pathogenic for Hereditary cancer-predisposing syndrome. Last evaluated: 2024-04-11. Review status: criteria provided, single submitter. Criteria: Ambry Variant Classification Scheme 2023. Collection method: clinical testing. Allele origin: germline. Not counted in ClinVar's aggregate classification.
Comment: The c.2071delA pathogenic mutation, located in coding exon 9 of the BRCA1 gene, results from a deletion of one nucleotide at nucleotide position 2071, causing a translational frameshift with a predicted alternate stop codon (p.R691Dfs*10). This mutation has been observed in multiple breast and/or ovarian cancer families (Andersen TI et al. Hum. Mutat. 1998;11:166-74; Frank TS et al. J Clin Oncol, 1998 Jul;16:2417-25; Peto J et al. J. Natl. Cancer Inst. 1999 Jun;91:943-9; Jongsma AP et al. Mol Pathol, 2002 Oct;55:305-9; Judkins T et al. Cancer Res, 2005 Nov;65:10096-103; Konecny M et al. Breast Cancer Res Treat. 2011 Feb;126:119-30; Zhang S et al. Gynecol. Oncol. 2011 May;121:353-7; Akbari MR et al. Clin. Genet. 2014 Jan;85:64-7; Cunningham JM et al. Sci Rep. 2014 Feb;4:4026; Torres-Mej&iacute;a G et al. Cancer Epidemiol. Biomarkers Prev. 2015 Mar;24:498-505; Pal T et al. Cancer. 2015 Dec;121:4173-80) and in a prostate cancer patient (Castro E et al. J. Clin. Oncol. 2013 May;31:1748-57). Of note, this alteration is also designated as 2190delA and 2187delA in the literature. This variant is considered to be rare based on population cohorts in the Genome Aggregation Database (gnomAD). In addition to the clinical data presented in the literature, this alteration is expected to result in loss of function by premature protein truncation or nonsense-mediated mRNA decay. As such, this alteration is interpreted as a disease-causing mutation.

All of Us Research Program, National Institutes of Health
Classification: Pathogenic for Breast-ovarian cancer, familial, susceptibility to, 1. Last evaluated: 2023-11-06. Review status: criteria provided, single submitter. Criteria: ACMG Guidelines, 2015. Collection method: clinical testing. Allele origin: germline. Inheritance: Autosomal dominant inheritance. Observed: 2 variant alleles, 2 heterozygotes. Not counted in ClinVar's aggregate classification.
Comment: This variant deletes 1 nucleotide in exon 10 of the BRCA1 gene, creating a frameshift and premature translation stop signal. This variant is expected to result in an absent or non-functional protein product. This variant has been observed in at least 10 individuals affected with breast, ovarian, and fallopian tube cancer (PMID: 9482581, 9667259, 10359546, 11179017, 12354934, 17369502, 21324516, 23458327, 24240112, 24504028, 24728189, 25371446, 26287763, 30875412, 33646313) and an individual affected with prostate cancer (PMID: 23569316). This variant has not been identified in the general population by the Genome Aggregation Database (gnomAD). Loss of BRCA1 function is a known mechanism of disease. Based on the available evidence, this variant is classified as Pathogenic.

This study involves interpretation of variants in research participants for the purpose of population health screening. Participant phenotype was not available at the time of variant classification. Additional details can be found in publication PMID: 35346344, PMCID: PMC8962531

Baylor Genetics
Classification: Pathogenic for Breast-ovarian cancer, familial, susceptibility to, 1. Last evaluated: 2023-06-13. Review status: criteria provided, single submitter. Criteria: ACMG Guidelines, 2015. Collection method: clinical testing. Allele origin: unknown. Not counted in ClinVar's aggregate classification.

Revvity Omics, Revvity
Classification: Pathogenic. Last evaluated: 2022-12-14. Review status: criteria provided, single submitter. Criteria: ACMG Guidelines, 2015. Collection method: clinical testing. Allele origin: germline. Not counted in ClinVar's aggregate classification.

Genetics and Molecular Pathology, SA Pathology
Classification: Pathogenic for Breast-ovarian cancer, familial, susceptibility to, 1. Last evaluated: 2022-05-25. Review status: criteria provided, single submitter. Criteria: ACMG Guidelines, 2015. Collection method: clinical testing. Allele origin: germline. Affected: yes. Not counted in ClinVar's aggregate classification.
Comment: The BRCA1 c.2071del variant is classified as Pathogenic (PVS1, PS4_Moderate, PM2) BRCA1:c.2071del is a deletion of a single nucleotide in exon 11 predicted to encode a frame-shift in translation of the mature mRNA with consequent premature termination of protein synthesis at codon 10 of the frame-shift, or 701 (BRCA1 p.(Arg691AspfsTer10):) using NP_009225.1. This is expected to result in disrupted or absent protein product due to nonsense mediated decay (NMD). If NMD is escaped, this variant is expected to encode a truncated protein. Variants of this type are widely accepted to be pathogenic (Tayoun et al., 2018 PMID:30192042). BRCA1:c.2071del (rs80357688) is absent in population databases (gnomAD) and is not on record in FLOSSIES. BRCA1:c.2071del (also described as BRCA1 2190delA using legacy nomenclature) has been reported in multiple unrelated individuals with breast and/or ovarian cancer (Zhang et al., 2011 PMID: 21324516, Cunningham et al., 2014 PMID: 24504028, Ow et al., 2019 PMID: 30875412, George et al., 2021 PMID: 33646313). BRCA1:c.2071del is on record in ClinVar (Variation ID: CD982486) reported by multiple clinical laboratories as pathogenic in association with Hereditary breast and ovarian cancer. This variant is listed in HGMD as ‘disease causing mutation’ in association with Breast cancer (Accession: CD982486).

Institute for Clinical Genetics, University Hospital TU Dresden, University Hospital TU Dresden
Classification: Pathogenic. Last evaluated: 2021-11-03. Review status: criteria provided, single submitter. Criteria: ACMG Guidelines, 2015. Collection method: clinical testing. Allele origin: germline. Not counted in ClinVar's aggregate classification.

CHEO Genetics Diagnostic Laboratory, Children's Hospital of Eastern Ontario
Classification: Pathogenic for Breast and/or ovarian cancer. Last evaluated: 2021-03-31. Review status: criteria provided, single submitter. Criteria: ACMG Guidelines, 2015. Collection method: clinical testing. Allele origin: germline. Not counted in ClinVar's aggregate classification.

Blueprint Genetics
Classification: Pathogenic for BRCA1-related disorders. Last evaluated: 2020-12-22. Review status: criteria provided, single submitter. Criteria: ACMG Guidelines, 2015. Collection method: clinical testing. Allele origin: germline. Affected: yes. Observed: 1 variant allele. Not counted in ClinVar's aggregate classification.

Victorian Clinical Genetics Services, Murdoch Childrens Research Institute
Classification: Pathogenic for Hereditary breast ovarian cancer syndrome. Last evaluated: 2020-10-19. Review status: criteria provided, single submitter. Criteria: ACMG Guidelines, 2015. Collection method: clinical testing. Allele origin: germline. Not counted in ClinVar's aggregate classification.
Comment: Based on the classification scheme VCGS_Germline_v1.3.3, this variant is classified as Pathogenic. Following criteria are met: 0102 - Loss of function is a known mechanism of disease in this gene and is associated with a risk of breast and ovarian cancer (MIM#604370), fanconi anemia, complementation group S (MIM#617883) and other types of cancer (OMIM). (I). 0108 - This gene is associated with both recessive and dominant disease. Autosomal recessive inheritance of variants is associated with fanconi anaemia, complementation group S (MIM#617883), whilst autosomal dominant inheritance is associated with an increased risk for familial breast and/or ovarian cancer, 1 (MIM#604370), or pancreatic cancer susceptibility, 4 (MIM#614320). The gene has also been reported to be associated with increased risk for prostate and stomach cancer (PMID: 26236408). (I) 0112 - The condition associated with this gene has incomplete penetrance (OMIM, Gene Reviews). (I) 0201 - Variant is predicted to cause nonsense-mediated decay (NMD) and loss of protein (premature termination codon is located at least 54 nucleotides upstream of the final exon-exon junction). (SP) 0251 - This variant is heterozygous. (I) 0301 - Variant is absent from gnomAD (both v2.1.1 and v3). (SP) 0701 - Other variants comparable to the one identified in this case has very strong previous evidence for pathogenicity. Multiple frameshift and nonsense variants throughout the gene have been reported to be pathogenic (ClinVar, DECIPHER). (SP) 0801 - This variant has strong previous evidence of pathogenicity in unrelated individuals. ClinVar: Pathogenic x18 including a submission by an Expert Review panel. (SP) 1208 - Inheritance information for this variant is not currently available in this individual. (I) Legend: (SP) - Supporting Pathogenic, (I) – Information, (SB) – Supporting Benign

Baylor Genetics
Classification: Pathogenic for Fanconi anemia, complementation group S. Last evaluated: 2020-02-28. Review status: criteria provided, single submitter. Criteria: ACMG Guidelines, 2015. Collection method: clinical testing. Allele origin: paternal. Affected: yes. Study: CSER-TexasKidsCanSeq. Not counted in ClinVar's aggregate classification.
Comment: This variant was determined to be pathogenic according to ACMG Guidelines, 2015 [PMID:25741868]. This variant has been previously reported as disease-causing [PMID 9482581, 24504028, 21324516]

Bioinformatics dept., Datar Cancer Genetics Limited, India
Classification: Pathogenic for Breast-ovarian cancer, familial, susceptibility to, 1. Last evaluated: 2017-07-07. Review status: criteria provided, single submitter. Criteria: ACMG Guidelines, 2015. Collection method: clinical testing. Allele origin: germline. Inheritance: Autosomal dominant inheritance. Observed: 1 variant allele, 1 compound heterozygote. Not counted in ClinVar's aggregate classification.

Genetic Services Laboratory, University of Chicago
Classification: Pathogenic for {Breast-ovarian cancer, familial, 1}. Last evaluated: 2017-05-22. Review status: criteria provided, single submitter. Criteria: ACMG Guidelines, 2015. Collection method: clinical testing. Allele origin: germline. Affected: yes. Not counted in ClinVar's aggregate classification.

Eurofins Ntd Llc (ga)
Classification: Pathogenic. Last evaluated: 2017-05-15. Review status: criteria provided, single submitter. Criteria: EGL Classification Definitions 2015. Collection method: clinical testing. Allele origin: germline. Observed: 1 variant allele, 1 heterozygote. Not counted in ClinVar's aggregate classification.